The following is an entry in ClinVar:

ClinVar aggregate classification (germline): Uncertain significance. Review status: criteria provided, multiple submitters, no conflicts (2 of 4 stars). 3 submissions from 3 submitters: Uncertain significance (3). Last evaluated 2025-08-05.

Conditions:
P5CS deficiency. Identifiers: MedGen CN294786, MONDO:0100126.
Autosomal dominant spastic paraplegia type 9. Identifiers: MedGen C1832669, MONDO:0015091.
de Barsy syndrome. Also called: Cutis laxa-corneal clouding-oligophrenia syndrome. Identifiers: Orphanet 2962, MedGen C0268354, MONDO:0017569.
Cutis laxa, autosomal dominant 3 (ADCL3). Identifiers: Orphanet 90348, MedGen C4225268, MONDO:0014706, OMIM 616603.

Allele frequency attached by ClinVar (database versions not stated): TOPMed 0.00001; gnomAD exomes 0.00002; ESP Exome Variant Server 0.00008.
gnomAD v4.1: 29 of 1,614,056 alleles (0.0018%); highest among the groups gnomAD compares: Non-Finnish European, 0.0024%; no homozygotes.

Submissions (3):

Labcorp Genetics (formerly Invitae), Labcorp
Classification: Uncertain significance for Autosomal dominant spastic paraplegia type 9; de Barsy syndrome; Cutis laxa, autosomal dominant 3. Last evaluated: 2025-08-05. Review status: criteria provided, single submitter. Criteria: Invitae Variant Classification Sherloc (09022015). Collection method: clinical testing. Allele origin: germline.
Comment: This sequence change falls in intron 3 of the ALDH18A1 gene. It does not directly change the encoded amino acid sequence of the ALDH18A1 protein. This variant is not present in population databases (gnomAD no frequency). This variant has not been reported in the literature in individuals affected with ALDH18A1-related conditions. ClinVar contains an entry for this variant (Variation ID: 1676223). Algorithms developed to predict the effect of sequence changes on RNA splicing suggest that this variant may disrupt the consensus splice site. In summary, the available evidence is currently insufficient to determine the role of this variant in disease. Therefore, it has been classified as a Variant of Uncertain Significance.

Molecular Genetics, Royal Melbourne Hospital
Classification: Uncertain significance for P5CS deficiency. Last evaluated: 2021-10-01. Review status: criteria provided, single submitter. Criteria: ACMG Guidelines, 2015. Collection method: clinical testing. Allele origin: germline.
Comment: This sequence change in ALDH18A1 is an intronic variant located in intron 3. This variant is absent from gnomAD v2.1 and v3.1. To our knowledge, this variant has not been reported in the literature in any individuals with ALDH18A1-related disease. The results from multiple in silico splicing predictors (SpliceAI, MaxEntScan, NNSplice) indicate that this variant may impact splicing by disrupting the acceptor splice site of intron 3 of ALDH18A1. Based on the classification scheme RMH Modified ACMG Guidelines v1.4.0, this variant is classified as a VARIANT OF UNCERTAIN SIGNIFICANCE. Following criteria are met: PM2_Supporting, PP3.

Blueprint Genetics
Classification: Uncertain significance. Last evaluated: 2019-01-18. Review status: criteria provided, single submitter. Criteria: ACMG Guidelines, 2015. Collection method: clinical testing. Allele origin: germline.

NM_002860.4(ALDH18A1):c.304-8A>G

Gene: ALDH18A1 (aldehyde dehydrogenase 18 family member A1; minus strand). Cytogenetic location: 10q24.1.
Variant type: single nucleotide variant.
Coding change: c.304-8A>G on transcript NM_002860.4 (MANE Select); 8 bases into the intron before coding-DNA position 304, A replaced by G.
Molecular consequence: intron variant.
Genome position (GRCh38, 1-based): chr10:95,637,444, T>C on the plus strand (A>G on the coding strand, the complement: ALDH18A1 is on the minus strand). VCF-style: chr10-95637444-T-C. GRCh37 (hg19) VCF-style: chr10-97397201-T-C.
Other names: c.-78-3795A>G (NM_001323419.2); c.-30-8A>G (NM_001323412.2, NM_001323418.2, NM_001323416.2); c.304-8A>G (NM_001323417.2, NM_001017423.2, NM_001323415.2 and 2 more transcripts).
Identifiers: ClinVar variation 1676223 (VCV001676223.5), dbSNP rs371815111, ClinGen allele CA211802632.